The following is an entry in ClinVar:

NM_172240.3(POC1B):c.403C>T (p.Arg135Cys)

Genes: POC1B (POC1 centriolar protein B; minus strand), POC1B-DUSP6 (POC1B-DUSP6 readthrough; minus strand). Cytogenetic location: 12q21.33.
Variant type: single nucleotide variant.
Coding change: c.403C>T on transcript NM_172240.3 (MANE Select); coding-DNA position 403, C replaced by T.
Protein change: p.Arg135Cys; replaces arginine 135 with cysteine.
Molecular consequence: missense variant. On other transcripts: non-coding transcript variant (2).
Genome position (GRCh38, 1-based): chr12:89,491,985, G>A on the plus strand (C>T on the coding strand, the complement: POC1B is on the minus strand). VCF-style: chr12-89491985-G-A. GRCh37 (hg19) VCF-style: chr12-89885762-G-A.
Other names: c.277C>T, p.Arg93Cys (NM_001199777.2); c.403C>T (NM_172240.2); short protein forms R135C, R93C.
Identifiers: ClinVar variation 1021096 (VCV001021096.6), dbSNP rs147661585, ClinGen allele CA6714526.

ClinVar aggregate classification (germline): Uncertain significance. Review status: criteria provided, multiple submitters, no conflicts (2 of 4 stars). 4 submissions from 4 submitters: Uncertain significance (4). Last evaluated 2024-06-12.

Conditions:
Inborn genetic diseases. Identifiers: MedGen C0950123, MeSH D030342.
Cone-rod dystrophy 20 (CORD20). Identifiers: Orphanet 1872, MedGen C4014856, MONDO:0014427, OMIM 615973.

Allele frequency attached by ClinVar (database versions not stated): gnomAD exomes 0.00002 and 0.00006; ExAC 0.00008; TOPMed 0.00014; gnomAD 0.00019 and 0.00021; ESP Exome Variant Server 0.00023.
gnomAD v4.1: 61 of 1,596,216 alleles (0.0038%); highest among the groups gnomAD compares: African/African-American, 0.059%; no homozygotes.

Submissions (4):

Fulgent Genetics
Classification: Uncertain significance for Cone-rod dystrophy 20. Last evaluated: 2024-06-12. Review status: criteria provided, single submitter. Criteria: ACMG Guidelines, 2015. Collection method: clinical testing. Allele origin: germline.

Labcorp Genetics (formerly Invitae), Labcorp
Classification: Uncertain significance. Last evaluated: 2024-01-18. Review status: criteria provided, single submitter. Criteria: Invitae Variant Classification Sherloc (09022015). Collection method: clinical testing. Allele origin: germline.
Comment: This sequence change replaces arginine, which is basic and polar, with cysteine, which is neutral and slightly polar, at codon 135 of the POC1B protein (p.Arg135Cys). This variant is present in population databases (rs147661585, gnomAD 0.07%). This variant has not been reported in the literature in individuals affected with POC1B-related conditions. ClinVar contains an entry for this variant (Variation ID: 1021096). Advanced modeling of protein sequence and biophysical properties (such as structural, functional, and spatial information, amino acid conservation, physicochemical variation, residue mobility, and thermodynamic stability) performed at Invitae indicates that this missense variant is not expected to disrupt POC1B protein function with a negative predictive value of 80%. In summary, the available evidence is currently insufficient to determine the role of this variant in disease. Therefore, it has been classified as a Variant of Uncertain Significance.

Blueprint Genetics
Classification: Uncertain significance. Last evaluated: 2022-01-20. Review status: criteria provided, single submitter. Criteria: ACMG Guidelines, 2015. Collection method: clinical testing. Allele origin: germline.

Ambry Genetics
Classification: Uncertain significance for Inborn genetic diseases. Last evaluated: 2021-10-29. Review status: criteria provided, single submitter. Criteria: Ambry Variant Classification Scheme 2023. Collection method: clinical testing. Allele origin: germline.